The following is an entry in ClinVar:

ClinVar aggregate classification (germline): Uncertain significance (1 of 4 stars; one submission).

Submission:

Labcorp Genetics (formerly Invitae), Labcorp
Classification: Uncertain significance. Last evaluated: 2024-10-24. Review status: criteria provided, single submitter. Criteria: Invitae Variant Classification Sherloc (09022015). Collection method: clinical testing. Allele origin: germline.
Comment: This variant, c.647_652del, results in the deletion of 2 amino acid(s) of the HMCN1 protein (p.Val216_Gln217del), but otherwise preserves the integrity of the reading frame. This variant is present in population databases (rs777567294, gnomAD 0.005%). This variant has not been reported in the literature in individuals affected with HMCN1-related conditions. Experimental studies and prediction algorithms are not available or were not evaluated, and the functional significance of this variant is currently unknown. In summary, the available evidence is currently insufficient to determine the role of this variant in disease. Therefore, it has been classified as a Variant of Uncertain Significance.

NM_031935.3(HMCN1):c.647_652del (p.Val216_Gln217del)

Gene: HMCN1 (hemicentin 1; plus strand). Cytogenetic location: 1q31.1.
Variant type: Deletion.
Coding change: c.647_652del on transcript NM_031935.3 (MANE Select); coding-DNA positions 647 to 652, 6 bases deleted (TACAGG; older notation c.647_652delTACAGG).
Protein change: p.Val216_Gln217del.
Molecular consequence: inframe deletion.
Genome position (GRCh38, 1-based): chr1:185,909,362-185,909,367, TACAGG deleted; deleting any 6 consecutive bases within chr1:185,909,361-185,909,367 gives the same sequence; the c. name uses the placement nearest the transcript's 3' end. VCF-style (leftmost placement, unchanged base first): chr1-185909360-AGTACAG-A. GRCh37 (hg19) VCF-style: chr1-185878492-AGTACAG-A.
Identifiers: ClinVar variation 2803976 (VCV002803976.3), dbSNP rs777567294, ClinGen allele CA1290911.